The following is an entry in ClinVar:

ClinVar aggregate classification (germline): Benign (0 of 4 stars; one submission).

Conditions:
RALGAPB-related disorder. Also called: RALGAPB-related condition.

Allele frequency attached by ClinVar (database versions not stated): ESP Exome Variant Server 0.00561; gnomAD exomes 0.00660; 1000 Genomes Project 0.00140; 1000 Genomes Project 30x 0.00141; TOPMed 0.00409; ExAC 0.00419; gnomAD 0.00432.
gnomAD v4.1: 10,180 of 1,613,594 alleles (0.63%); highest among the groups gnomAD compares: Non-Finnish European, 0.78%; 48 homozygotes.

Submission:

PreventionGenetics, part of Exact Sciences
Classification: Benign for RALGAPB-related condition. Last evaluated: 2022-02-10. Review status: no assertion criteria provided. Collection method: clinical testing. Allele origin: germline.
Comment: This variant is classified as benign based on ACMG/AMP sequence variant interpretation guidelines (Richards et al. 2015 PMID: 25741868, with internal and published modifications).

NM_020336.4(RALGAPB):c.4006C>T (p.Pro1336Ser)

Gene: RALGAPB (Ral GTPase activating protein non-catalytic subunit beta; plus strand). Cytogenetic location: 20q11.23.
Variant type: single nucleotide variant.
Coding change: c.4006C>T on transcript NM_020336.4 (MANE Select); coding-DNA position 4006, C replaced by T.
Protein change: p.Pro1336Ser; replaces proline 1336 with serine.
Molecular consequence: missense variant.
Genome position (GRCh38, 1-based): chr20:38,569,939, C>T. VCF-style: chr20-38569939-C-T. GRCh37 (hg19) VCF-style: chr20-37198582-C-T.
Other names: c.4006C>T, p.Pro1336Ser (NM_001282917.2); c.3997C>T, p.Pro1333Ser (NM_001282918.2); short protein forms P1333S, P1336S.
Identifiers: ClinVar variation 3043684 (VCV003043684.2), dbSNP rs142678293, ClinGen allele CA9854637.
Genomic context (GRCh38, chr20:38,569,939, plus strand): 5'-TTCATGTAGCTCAGTCCCAGTTCCAGAATGAGGAAGCTGCCTCAGGGTCGCCCTGTTCCT[C>T]CCCTTGGACCTGAGACAAGAGTTTCTGTAGTCTGGGTGGAACGCTATGATGATATAGGTA-3'
Protein context (NP_065069.1, residues 1326-1346): RKLPQGRPVP[Pro1336Ser]LGPETRVSVV